The following is an entry in ClinVar:

ClinVar aggregate classification (germline): Conflicting classifications of pathogenicity. Review status: criteria provided, conflicting classifications (1 of 4 stars). 12 submissions from 12 submitters: Uncertain significance (4); Likely benign (6). 2 of the submissions do not count toward it. Last evaluated 2026-06-18.

Conditions:
RB1-related disorder. Also called: RB1-related condition.
Hereditary cancer-predisposing syndrome. Also called: Tumor predisposition; Hereditary neoplastic syndrome; Hereditary Cancer Syndrome; Neoplastic Syndromes, Hereditary. Identifiers: Orphanet 140162, MedGen C0027672, MeSH D009386, MONDO:0015356.
Retinoblastoma (RB1). Also called: RETINOBLASTOMA, SOMATIC. Identifiers: Orphanet 790, MedGen C0035335, MeSH D012175, MONDO:0008380, OMIM 180200, HP:0009919. Disease mechanism: loss of function. Inheritance: Both sporadic and heritable forms are tested..

Allele frequency attached by ClinVar (database versions not stated): gnomAD 0.00011; TOPMed 0.00011; gnomAD exomes 0.00013 and 0.00014.
gnomAD v4.1: 216 of 1,503,780 alleles (0.014%); highest among the groups gnomAD compares: Middle Eastern, 0.046%; no homozygotes.

Submissions (12):

Myriad Genetics, Inc.
Classification: Likely benign for Retinoblastoma. Last evaluated: 2026-06-18. Review status: criteria provided, single submitter. Criteria: Myriad Autosomal Dominant, Autosomal Recessive and X-Linked Classification Criteria (2023). Collection method: clinical testing. Allele origin: unknown.
Comment: This variant is considered likely benign. This variant has been observed at a population frequency that is significantly greater than expected given the associated disease prevalence and penetrance.

CeGaT Center for Human Genetics Tuebingen
Classification: Likely benign. Last evaluated: 2026-04-01. Review status: criteria provided, single submitter. Criteria: CeGaT Center For Human Genetics Tuebingen Variant Classification Criteria Version 2. Collection method: clinical testing. Allele origin: germline. Affected: yes. Observed: 1 variant allele.
Comment: RB1: PP3, BS1

Labcorp Genetics (formerly Invitae), Labcorp
Classification: Likely benign for Retinoblastoma. Last evaluated: 2026-01-28. Review status: criteria provided, single submitter. Criteria: Invitae Variant Classification Sherloc (09022015). Collection method: clinical testing. Allele origin: germline.

Blueprint Genetics
Classification: Likely benign. Last evaluated: 2024-11-26. Review status: criteria provided, single submitter. Criteria: ACMG Guidelines, 2015. Collection method: clinical testing. Allele origin: germline.

All of Us Research Program, National Institutes of Health
Classification: Uncertain significance for Retinoblastoma. Last evaluated: 2024-09-23. Review status: criteria provided, single submitter. Criteria: ACMG Guidelines, 2015. Collection method: clinical testing. Allele origin: germline. Inheritance: Autosomal dominant inheritance. Observed: 62 variant alleles, 62 heterozygotes.
Comment: This missense variant replaces proline with leucine at codon 20 of the RB1 protein. Computational prediction is inconclusive regarding the impact of this variant on protein structure and function (internally defined REVEL score threshold 0.5 < inconclusive < 0.7, PMID: 27666373). To our knowledge, functional studies have not been reported for this variant. This variant has been reported in individuals affected with retinoblastoma (PMID: 12541220, 14722923, 16343894, 29261756), but also in unaffected individuals (PMID: 16343894, 24728327, 29261756). This variant has been identified in 16/132530 chromosomes in the general population by the Genome Aggregation Database (gnomAD). The available evidence is insufficient to determine the role of this variant in disease conclusively. Therefore, this variant is classified as a Variant of Uncertain Significance.

This study involves interpretation of variants in research participants for the purpose of population health screening. Participant phenotype was not available at the time of variant classification. Additional details can be found in publication PMID: 35346344, PMCID: PMC8962531

Color Diagnostics, LLC DBA Color Health
Classification: Uncertain significance for Retinoblastoma. Last evaluated: 2024-01-21. Review status: criteria provided, single submitter. Criteria: ACMG Guidelines, 2015. Collection method: clinical testing. Allele origin: germline.
Comment: This missense variant replaces proline with leucine at codon 20 of the RB1 protein. Computational prediction is inconclusive regarding the impact of this variant on protein structure and function (internally defined REVEL score threshold 0.5 < inconclusive < 0.7, PMID: 27666373). To our knowledge, functional studies have not been reported for this variant. This variant has been reported in individuals affected with retinoblastoma (PMID: 12541220, 14722923, 16343894, 29261756), but also in unaffected individuals (PMID: 16343894, 24728327, 29261756). This variant has been identified in 16/132530 chromosomes in the general population by the Genome Aggregation Database (gnomAD). The available evidence is insufficient to determine the role of this variant in disease conclusively. Therefore, this variant is classified as a Variant of Uncertain Significance.

Ambry Genetics
Classification: Likely benign for Hereditary cancer-predisposing syndrome. Last evaluated: 2022-10-24. Review status: criteria provided, single submitter. Criteria: Ambry Variant Classification Scheme 2023. Collection method: clinical testing. Allele origin: germline.

Sema4
Classification: Likely benign for Hereditary cancer-predisposing syndrome. Last evaluated: 2021-06-18. Review status: criteria provided, single submitter. Criteria: Sema4 Curation Guidelines. Collection method: curation. Allele origin: germline.

Laboratory for Molecular Medicine, Mass General Brigham Personalized Medicine
Classification: Uncertain significance. Last evaluated: 2020-04-09. Review status: criteria provided, single submitter. Criteria: LMM Criteria. Collection method: clinical testing. Allele origin: germline. Observed: 2 variant alleles.
Comment: proposed classification - variant undergoing re-assessment, contact laboratory

Mendelics
Classification: Uncertain significance for Retinoblastoma. Last evaluated: 2018-07-02. Review status: criteria provided, single submitter. Criteria: Mendelics Assertion Criteria 2017. Collection method: clinical testing. Allele origin: unknown.

PreventionGenetics, part of Exact Sciences
Classification: Uncertain significance for RB1-related condition. Last evaluated: 2023-12-31. Review status: no assertion criteria provided. Collection method: clinical testing. Allele origin: germline. Not counted in ClinVar's aggregate classification.
Comment: The RB1 c.59C>T variant is predicted to result in the amino acid substitution p.Pro20Leu. This variant was reported in an individual with retinoblastoma (Parma et al. 2017. PubMed ID: 29261756, described as g.2118C>T), but was also found in the patient's asymptomatic mother and has been reported in a healthy ancestrally diverse cohort (Bodian et al. 2014. PubMed ID: 24728327, supplementary data). This variant was also described as a variant of uncertain significance in cohort of individuals with breast cancer (Guindalini et al. 2022. PubMed ID: 35264596). This variant is reported in 0.025% of alleles in individuals of European (Non-Finnish) descent in gnomAD and has conflicting interpretations regarding its pathogenicity in ClinVar, ranging from uncertain significance to likely benign. At this time, the clinical significance of this variant is uncertain due to the absence of conclusive functional and genetic evidence.

ITMI
No classification provided. Condition: AllHighlyPenetrant. Last evaluated: 2013-09-19. Review status: no classification provided. Collection method: reference population. Allele origin: germline. Not counted in ClinVar's aggregate classification.
Comment: Please see associated publication for description of ethnicities

Literature cited by the submitters: PubMed 12541220 (cited by 4 submitters); PubMed 14722923 (cited by 4 submitters); PubMed 16343894 (cited by 4 submitters); PubMed 24728327 (cited by 5 submitters); PubMed 29261756 (cited by 3 submitters).

NM_000321.3(RB1):c.59C>T (p.Pro20Leu)

Gene: RB1 (RB transcriptional corepressor 1; plus strand). Cytogenetic location: 13q14.2.
Variant type: single nucleotide variant.
Coding change: c.59C>T on transcript NM_000321.3 (MANE Select); coding-DNA position 59, C replaced by T.
Protein change: p.Pro20Leu; replaces proline 20 with leucine.
Molecular consequence: missense variant.
Genome position (GRCh38, 1-based): chr13:48,303,971, C>T. VCF-style: chr13-48303971-C-T. GRCh37 (hg19) VCF-style: chr13-48878107-C-T.
Other names: short protein forms P20L.
Identifiers: ClinVar variation 135115 (VCV000135115.32), dbSNP rs587778637, ClinGen allele CA026462.